The following is an entry in ClinVar:

NM_005060.4(RORC):c.203C>T (p.Thr68Ile)

Gene: RORC (RAR related orphan receptor C; minus strand). Cytogenetic location: 1q21.3.
Variant type: single nucleotide variant.
Coding change: c.203C>T on transcript NM_005060.4 (MANE Select); coding-DNA position 203, C replaced by T.
Protein change: p.Thr68Ile; replaces threonine 68 with isoleucine.
Molecular consequence: missense variant.
Genome position (GRCh38, 1-based): chr1:151,816,759, G>A on the plus strand (C>T on the coding strand, the complement: RORC is on the minus strand). VCF-style: chr1-151816759-G-A. GRCh37 (hg19) VCF-style: chr1-151789235-G-A.
Other names: c.140C>T, p.Thr47Ile (NM_001001523.2); short protein forms T68I, T47I.
Identifiers: ClinVar variation 1984169 (VCV001984169.4), dbSNP rs1194100940, ClinGen allele CA342019525.

ClinVar aggregate classification (germline): Uncertain significance (1 of 4 stars; one submission).

Conditions:
Autosomal recessive mendelian susceptibility to mycobacterial diseases due to complete RORgamma receptor deficiency. Also called: Immunodeficiency 42. Identifiers: Orphanet 477857, MedGen C5567647, MONDO:0014710, OMIM 616622.

Allele frequency attached by ClinVar (database versions not stated): gnomAD exomes below 0.00001; gnomAD 0.00001.
gnomAD v4.1: 5 of 1,588,264 alleles (0.00031%); highest among the groups gnomAD compares: South Asian, 0.0034%; no homozygotes.

Submission:

Labcorp Genetics (formerly Invitae), Labcorp
Classification: Uncertain significance for Autosomal recessive mendelian susceptibility to mycobacterial diseases due to complete RORgamma receptor deficiency. Last evaluated: 2022-06-10. Review status: criteria provided, single submitter. Criteria: Invitae Variant Classification Sherloc (09022015). Collection method: clinical testing. Allele origin: germline.
Comment: In summary, the available evidence is currently insufficient to determine the role of this variant in disease. Therefore, it has been classified as a Variant of Uncertain Significance. Algorithms developed to predict the effect of missense changes on protein structure and function (SIFT, PolyPhen-2, Align-GVGD) all suggest that this variant is likely to be tolerated. This variant has not been reported in the literature in individuals affected with RORC-related conditions. This variant is not present in population databases (gnomAD no frequency). This sequence change replaces threonine, which is neutral and polar, with isoleucine, which is neutral and non-polar, at codon 68 of the RORC protein (p.Thr68Ile).